The following is an entry in ClinVar:

NM_001040142.2(SCN2A):c.4976C>T (p.Ala1659Val)

Gene: SCN2A (sodium voltage-gated channel alpha subunit 2; plus strand). Cytogenetic location: 2q24.3.
Variant type: single nucleotide variant.
Coding change: c.4976C>T on transcript NM_001040142.2 (MANE Select); coding-DNA position 4976, C replaced by T.
Protein change: p.Ala1659Val; replaces alanine 1659 with valine.
Molecular consequence: missense variant.
Genome position (GRCh38, 1-based): chr2:165,388,782, C>T. VCF-style: chr2-165388782-C-T. GRCh37 (hg19) VCF-style: chr2-166245292-C-T.
Other names: c.4976C>T, p.Ala1659Val (NM_001040143.2, NM_001371246.1, NM_001371247.1 and 1 more transcripts); short protein forms A1659V.
Identifiers: ClinVar variation 410984 (VCV000410984.19), dbSNP rs1060503101, ClinGen allele CA16610262.

ClinVar aggregate classification (germline): Pathogenic/Likely pathogenic. Review status: criteria provided, multiple submitters, no conflicts (2 of 4 stars). 7 submissions from 7 submitters: Pathogenic (3); Likely pathogenic (3). 1 of the submissions does not count toward it. Last evaluated 2025-10-15.

Conditions:
Seizure. Also called: Seizures. Identifiers: MedGen C0036572, HP:0001250.
Developmental and epileptic encephalopathy, 11 (DEE11). Also called: Early infantile epileptic encephalopathy 11. Identifiers: Orphanet 1934, MedGen C3150987, MONDO:0013388, OMIM 613721.
Seizures, benign familial infantile, 3 (BFIS3). Also called: CONVULSIONS, BENIGN FAMILIAL INFANTILE, 3; Familial neonatal seizures. Identifiers: Orphanet 140927, Orphanet 306, MedGen C1843140, MONDO:0011904, OMIM 607745.

Submissions (7):

3billion
Classification: Pathogenic for Developmental and epileptic encephalopathy, 11. Last evaluated: 2025-10-15. Review status: criteria provided, single submitter. Criteria: ACMG Guidelines, 2015. Collection method: clinical testing. Allele origin: germline. Affected: yes.
Comment: The variant is not observed in the gnomAD v4.1.0 dataset. Predicted Consequence/Location: Missense variant In silico tool predictions suggest damaging effect of the variant on gene or gene product [REVEL: 0.91 (>=0.6, sensitivity 0.68 and specificity 0.92); 3Cnet: 0.99 (> 0.75, sensitivity 0.96 and precision 0.92)]. The same nucleotide change resulting in the same amino acid change has been previously reported as pathogenic/likely pathogenic with strong evidence (ClinVar ID: VCV000410984 /3billion dataset). The variant has been previously reported as de novo in a similarly affected individual (N/A). Therefore, this variant is classified as Pathogenic according to the recommendation of ACMG/AMP guideline.

Service de Génétique Médicale, Centre Hospitalier Universitaire de Nice-Université Côte d'Azur
Classification: Likely pathogenic for Developmental and epileptic encephalopathy, 11. Last evaluated: 2024-02-27. Review status: criteria provided, single submitter. Criteria: ACMG Guidelines, 2015. Collection method: clinical testing. Allele origin: germline. Affected: yes.

Victorian Clinical Genetics Services, Murdoch Childrens Research Institute
Classification: Pathogenic for Developmental and epileptic encephalopathy, 11. Last evaluated: 2023-07-17. Review status: criteria provided, single submitter. Criteria: ACMG Guidelines, 2015. Collection method: clinical testing. Allele origin: germline. Inheritance: Autosomal dominant inheritance. Affected: yes.
Comment: Based on the classification scheme VCGS_Germline_v1.3.4, this variant is classified as Pathogenic. Following criteria are met: 0103 - Loss of function and gain of function are known mechanisms of disease in this gene. Variants causing a gain of function result in developmental and epileptic encephalopathy 11 (MIM#613721) or benign familial infantile seizures 3 (MIM#607745), whereas variants causing loss of function result in autism spectrum disorder and/or intellectual disability, with or without childhood-onset seizures (OMIM, PMID: 29691040, PMID: 31904126). 0107 - This gene is associated with autosomal dominant disease. (I) 0200 - Variant is predicted to result in a missense amino acid change from alanine to valine. (I) 0251 - This variant is heterozygous. (I) 0301 - Variant is absent from gnomAD (both v2 and v3). (SP) 0501 - Missense variant consistently predicted to be damaging by multiple in silico tools or highly conserved with a major amino acid change. (SP) 0600 - Variant is located in the annotated Ion transport domain (DECIPHER). (I) 801 - This variant has strong previous evidence of pathogenicity in unrelated individuals. This variant has been reported in multiple individuals with developmental and epileptic encephalopathy (ClinVar, PMID: 35365919). (SP) Legend: (SP) - Supporting pathogenic, (I) - Information, (SB) - Supporting benign

Labcorp Genetics (formerly Invitae), Labcorp
Classification: Pathogenic for Seizures, benign familial infantile, 3; Developmental and epileptic encephalopathy, 11. Last evaluated: 2022-08-16. Review status: criteria provided, single submitter. Criteria: Invitae Variant Classification Sherloc (09022015). Collection method: clinical testing. Allele origin: germline.
Comment: For these reasons, this variant has been classified as Pathogenic. Algorithms developed to predict the effect of missense changes on protein structure and function are either unavailable or do not agree on the potential impact of this missense change (SIFT: "Deleterious"; PolyPhen-2: "Probably Damaging"; Align-GVGD: "Class C0"). ClinVar contains an entry for this variant (Variation ID: 410984). This missense change has been observed in individual(s) with clinical features of early infantile epileptic encephalopathy (Invitae). In at least one individual the variant was observed to be de novo. This variant is not present in population databases (gnomAD no frequency). This sequence change replaces alanine, which is neutral and non-polar, with valine, which is neutral and non-polar, at codon 1659 of the SCN2A protein (p.Ala1659Val).

Institute of Medical Genetics and Applied Genomics, University Hospital Tübingen
Classification: Likely pathogenic. Last evaluated: 2020-10-23. Review status: criteria provided, single submitter. Criteria: ACMG Guidelines, 2015. Collection method: clinical testing. Allele origin: germline. Inheritance: Autosomal dominant inheritance. Affected: yes.

Beijing Key Laboratry for Genetics of Birth Defects, Beijing Children's Hospital
Classification: Likely pathogenic for Seizures, benign familial infantile, 3. Last evaluated: 2020-02-28. Review status: criteria provided, single submitter. Criteria: ACMG Guidelines, 2015. Collection method: clinical testing. Allele origin: de novo. Affected: yes. Observed: 1 variant allele.

Cytogénomique, Hospices Civils de Lyon
Classification: Pathogenic for Seizure. Last evaluated: 2020-02-03. Review status: no assertion criteria provided. Collection method: clinical testing. Allele origin: somatic. Inheritance: Somatic mutation. Affected: yes. Not counted in ClinVar's aggregate classification.

Literature cited by the submitters: PubMed 38703036 (cited by Service de Génétique Médicale, Centre Hospitalier Universitaire de Nice-Université Côte d'Azur); PubMed 29691040 (cited by Victorian Clinical Genetics Services, Murdoch Childrens Research Institute); PubMed 31904126 (cited by Victorian Clinical Genetics Services, Murdoch Childrens Research Institute); PubMed 35365919 (cited by Victorian Clinical Genetics Services, Murdoch Childrens Research Institute).